The following is an entry in ClinVar:

ClinVar aggregate classification (germline): Uncertain significance (1 of 4 stars; one submission).

Submission:

CeGaT Center for Human Genetics Tuebingen
Classification: Uncertain significance. Last evaluated: 2024-03-01. Review status: criteria provided, single submitter. Criteria: CeGaT Center For Human Genetics Tuebingen Variant Classification Criteria Version 2. Collection method: clinical testing. Allele origin: germline. Affected: yes. Observed: 1 variant allele.
Comment: TTN: PM2, PVS1:Moderate

NM_001267550.2(TTN):c.26482+2T>A

Gene: TTN (titin; minus strand). Cytogenetic location: 2q31.2.
Variant type: single nucleotide variant.
Coding change: c.26482+2T>A on transcript NM_001267550.2 (MANE Select); the canonical splice donor site of the intron after coding-DNA position 26482, T replaced by A.
Molecular consequence: splice donor variant. On other transcripts: intron variant (3).
Genome position (GRCh38, 1-based): chr2:178,714,290, A>T on the plus strand (T>A on the coding strand, the complement: TTN is on the minus strand). VCF-style: chr2-178714290-A-T. GRCh37 (hg19) VCF-style: chr2-179579017-A-T.
Other names: c.13282+23792T>A (NM_003319.4); c.13858+23792T>A (NM_133437.4); c.13657+23792T>A (NM_133432.3); c.22750+2T>A (NM_133378.4); c.25531+2T>A (NM_001256850.1).
Identifiers: ClinVar variation 3067776 (VCV003067776.21), dbSNP rs2529029346, ClinGen allele CA349468997.